The following is an entry in ClinVar:

NM_024529.5(CDC73):c.665G>A (p.Arg222Gln)

Gene: CDC73 (cell division cycle 73; plus strand). Cytogenetic location: 1q31.2.
Variant type: single nucleotide variant.
Coding change: c.665G>A on transcript NM_024529.5 (MANE Select); coding-DNA position 665, G replaced by A.
Protein change: p.Arg222Gln; replaces arginine 222 with glutamine.
Molecular consequence: missense variant.
Genome position (GRCh38, 1-based): chr1:193,142,002, G>A. VCF-style: chr1-193142002-G-A. GRCh37 (hg19) VCF-style: chr1-193111132-G-A.
Other names: short protein forms R222Q.
Identifiers: ClinVar variation 656731 (VCV000656731.10), dbSNP rs1572154825, ClinGen allele CA343962715.
Genomic context (GRCh38, chr1:193,142,002, plus strand): 5'-ATGATGACATAACTGCCCTTAAACAGAGGAGTTTTGTGGATGCTGAGGTAGATGTGACCC[G>A]AGATATTGTCAGCAGAGAGAGAGTATGGAGGACACGAACAACTATCTTACAAAGCACAGG-3'
Protein context (NP_078805.3, residues 212-232): SFVDAEVDVT[Arg222Gln]DIVSRERVWR

ClinVar aggregate classification (germline): Uncertain significance. Review status: criteria provided, multiple submitters, no conflicts (2 of 4 stars). 2 submissions from 2 submitters: Uncertain significance (2). Last evaluated 2025-01-23.

Conditions:
Hereditary cancer-predisposing syndrome. Also called: Hereditary neoplastic syndrome; Tumor predisposition; Neoplastic Syndromes, Hereditary; Hereditary Cancer Syndrome. Identifiers: Orphanet 140162, MedGen C0027672, MeSH D009386, MONDO:0015356.
Parathyroid carcinoma (PRTC). Also called: Parathyroid gland carcinoma; CDC73-Related Parathyroid Carcinoma. Identifiers: Orphanet 143, MedGen C0687150, MONDO:0012004, OMIM 608266, HP:0006780.

Allele frequency attached by ClinVar (database versions not stated): gnomAD exomes below 0.00001.
gnomAD v4.1: 3 of 1,613,900 alleles (0.00019%); highest among the groups gnomAD compares: Non-Finnish European, 0.00025%; no homozygotes.

Submissions (2):

Labcorp Genetics (formerly Invitae), Labcorp
Classification: Uncertain significance for Parathyroid carcinoma. Last evaluated: 2025-01-23. Review status: criteria provided, single submitter. Criteria: Invitae Variant Classification Sherloc (09022015). Collection method: clinical testing. Allele origin: germline.
Comment: This sequence change replaces arginine, which is basic and polar, with glutamine, which is neutral and polar, at codon 222 of the CDC73 protein (p.Arg222Gln). This variant is not present in population databases (gnomAD no frequency). This variant has not been reported in the literature in individuals affected with CDC73-related conditions. ClinVar contains an entry for this variant (Variation ID: 656731). Invitae Evidence Modeling of protein sequence and biophysical properties (such as structural, functional, and spatial information, amino acid conservation, physicochemical variation, residue mobility, and thermodynamic stability) indicates that this missense variant is not expected to disrupt CDC73 protein function with a negative predictive value of 80%. In summary, the available evidence is currently insufficient to determine the role of this variant in disease. Therefore, it has been classified as a Variant of Uncertain Significance.

Ambry Genetics
Classification: Uncertain significance for Hereditary cancer-predisposing syndrome. Last evaluated: 2024-05-10. Review status: criteria provided, single submitter. Criteria: Ambry Variant Classification Scheme 2023. Collection method: clinical testing. Allele origin: germline.
Comment: The p.R222Q variant (also known as c.665G>A), located in coding exon 7 of the CDC73 gene, results from a G to A substitution at nucleotide position 665. The arginine at codon 222 is replaced by glutamine, an amino acid with highly similar properties. This amino acid position is conserved. In addition, this alteration is predicted to be deleterious by in silico analysis. Based on the available evidence, the clinical significance of this variant remains unclear.